The following is an entry in ClinVar:

ClinVar aggregate classification (germline): Uncertain significance (1 of 4 stars; one submission).

Allele frequency attached by ClinVar (database versions not stated): gnomAD exomes below 0.00001; gnomAD 0.00001.

Submission:

Labcorp Genetics (formerly Invitae), Labcorp
Classification: Uncertain significance. Last evaluated: 2023-05-11. Review status: criteria provided, single submitter. Criteria: Invitae Variant Classification Sherloc (09022015). Collection method: clinical testing. Allele origin: germline.
Comment: In summary, the available evidence is currently insufficient to determine the role of this variant in disease. Therefore, it has been classified as a Variant of Uncertain Significance. Advanced modeling of protein sequence and biophysical properties (such as structural, functional, and spatial information, amino acid conservation, physicochemical variation, residue mobility, and thermodynamic stability) performed at Invitae indicates that this missense variant is not expected to disrupt TBX20 protein function. This variant has not been reported in the literature in individuals affected with TBX20-related conditions. This variant is not present in population databases (gnomAD no frequency). This sequence change replaces proline, which is neutral and non-polar, with serine, which is neutral and polar, at codon 84 of the TBX20 protein (p.Pro84Ser).

NM_001077653.2(TBX20):c.250C>T (p.Pro84Ser)

Gene: TBX20 (T-box transcription factor 20; minus strand). Cytogenetic location: 7p14.2.
Variant type: single nucleotide variant.
Coding change: c.250C>T on transcript NM_001077653.2 (MANE Select); coding-DNA position 250, C replaced by T.
Protein change: p.Pro84Ser; replaces proline 84 with serine.
Molecular consequence: missense variant.
Genome position (GRCh38, 1-based): chr7:35,250,081, G>A on the plus strand (C>T on the coding strand, the complement: TBX20 is on the minus strand). VCF-style: chr7-35250081-G-A. GRCh37 (hg19) VCF-style: chr7-35289693-G-A.
Other names: c.250C>T, p.Pro84Ser (NM_001166220.1); short protein forms P84S.
Identifiers: ClinVar variation 2780394 (VCV002780394.3), dbSNP rs267601498, ClinGen allele CA156929399.